The following is an entry in ClinVar:

NM_018089.3(ANKZF1):c.1495C>T (p.Leu499Phe)

Gene: ANKZF1 (ankyrin repeat and zinc finger peptidyl tRNA hydrolase 1; plus strand). Cytogenetic location: 2q35.
Variant type: single nucleotide variant.
Coding change: c.1495C>T on transcript NM_018089.3 (MANE Select); coding-DNA position 1495, C replaced by T.
Protein change: p.Leu499Phe; replaces leucine 499 with phenylalanine.
Molecular consequence: missense variant.
Genome position (GRCh38, 1-based): chr2:219,235,116, C>T. VCF-style: chr2-219235116-C-T. GRCh37 (hg19) VCF-style: chr2-220099838-C-T.
Other names: c.1495C>T, p.Leu499Phe (NM_001042410.2); c.865C>T, p.Leu289Phe (NM_001282792.2); short protein forms L289F, L499F.
Identifiers: ClinVar variation 4775187 (VCV004775187.1).

ClinVar aggregate classification (germline): Uncertain significance (1 of 4 stars; one submission).

gnomAD v4.1: 5 of 1,614,078 alleles (0.00031%); highest among the groups gnomAD compares: African/African-American, 0.0053%; no homozygotes.

Submission:

Labcorp Genetics (formerly Invitae), Labcorp
Classification: Uncertain significance. Last evaluated: 2025-04-30. Review status: criteria provided, single submitter. Criteria: Invitae Variant Classification Sherloc (09022015). Collection method: clinical testing. Allele origin: germline.
Comment: This sequence change replaces leucine, which is neutral and non-polar, with phenylalanine, which is neutral and non-polar, at codon 499 of the ANKZF1 protein (p.Leu499Phe). This variant is present in population databases (rs745372490, gnomAD 0.01%). This variant has not been reported in the literature in individuals affected with ANKZF1-related conditions. An algorithm developed to predict the effect of missense changes on protein structure and function (PolyPhen-2) suggests that this variant is likely to be tolerated. In summary, the available evidence is currently insufficient to determine the role of this variant in disease. Therefore, it has been classified as a Variant of Uncertain Significance.